The following is an entry in ClinVar:

NM_001374828.1(ARID1B):c.633GCAACA[3] (p.Gln214_His215insGlnGln)

Genes: ARID1B (AT-rich interaction domain 1B; plus strand), LOC115308161 (uncharacterized LOC115308161; minus strand). Cytogenetic location: 6q25.3.
Variant type: Microsatellite.
Coding change: c.633GCAACA[3] on transcript NM_001374828.1 (MANE Select); three copies in a row of the 6-base unit GCAACA starting at c.633; the reference has two copies in a row; one copy, 6 bases duplicated.
Protein change: p.Gln214_His215insGlnGln.
Molecular consequence: inframe insertion. On other transcripts: non-coding transcript variant (1).
Genome position (GRCh38, 1-based): chr6:156,778,319-156,778,324, GCAACA duplicated; duplicating any 6 consecutive bases within chr6:156,778,311-156,778,324 gives the same sequence; the position shown is the placement nearest the transcript's 3' end. VCF-style (leftmost placement, unchanged base first): chr6-156778310-G-GCAGCAA. GRCh37 (hg19) VCF-style: chr6-157099444-G-GCAGCAA.
Other names: c.633GCAACA[3], p.Gln214_His215insGlnGln (NM_001371656.1, NM_001374820.1, NM_017519.3); c.390_395dup (NM_020732.3).
Identifiers: ClinVar variation 1341615 (VCV001341615.19), dbSNP rs748838689, ClinGen allele CA4066665.
Genomic context (GRCh38, chr6:156,778,310, plus strand): 5'-GCAGCAGCTAAACCAGTTCCAGCAGCAGCAGCAGCAGCAGCAACAGCAGCAGCAGCAGCA[G>GCAGCAA]CAGCAACAGCAACATCCCATTTCCAACAACAACAGCTTGGGCGGCGCGGGCGGCGGCGCG-3'

ClinVar aggregate classification (germline): Conflicting classifications of pathogenicity. Review status: criteria provided, conflicting classifications (1 of 4 stars). 4 submissions from 4 submitters: Uncertain significance (1); Likely benign (3). Last evaluated 2025-02-01.

Submissions (4):

CeGaT Center for Human Genetics Tuebingen
Classification: Likely benign. Last evaluated: 2025-02-01. Review status: criteria provided, single submitter. Criteria: CeGaT Center For Human Genetics Tuebingen Variant Classification Criteria Version 2. Collection method: clinical testing. Allele origin: germline. Affected: yes. Observed: 1 variant allele.
Comment: ARID1B: BP3, BS2

Blueprint Genetics
Classification: Likely benign. Last evaluated: 2024-09-24. Review status: criteria provided, single submitter. Criteria: ACMG Guidelines, 2015. Collection method: clinical testing. Allele origin: germline.

Labcorp Genetics (formerly Invitae), Labcorp
Classification: Uncertain significance. Last evaluated: 2024-04-18. Review status: criteria provided, single submitter. Criteria: Invitae Variant Classification Sherloc (09022015). Collection method: clinical testing. Allele origin: germline.
Comment: This variant, c.390_395dup, results in the insertion of 2 amino acid(s) of the ARID1B protein (p.Gln130_Gln131dup), but otherwise preserves the integrity of the reading frame. The frequency data for this variant in the population databases is considered unreliable, as metrics indicate poor data quality at this position in the gnomAD database. This variant has not been reported in the literature in individuals affected with ARID1B-related conditions. ClinVar contains an entry for this variant (Variation ID: 1341615). Experimental studies and prediction algorithms are not available or were not evaluated, and the functional significance of this variant is currently unknown. In summary, the available evidence is currently insufficient to determine the role of this variant in disease. Therefore, it has been classified as a Variant of Uncertain Significance.

GeneDx
Classification: Likely benign. Last evaluated: 2021-01-11. Review status: criteria provided, single submitter. Criteria: GeneDx Variant Classification Process June 2021. Collection method: clinical testing. Allele origin: germline. Affected: yes.